The following is an entry in ClinVar:

NM_000520.6(HEXA):c.1529G>A (p.Arg510Gln)

Gene: HEXA (hexosaminidase subunit alpha; minus strand). Cytogenetic location: 15q23.
Variant type: single nucleotide variant.
Coding change: c.1529G>A on transcript NM_000520.6 (MANE Select); coding-DNA position 1529, G replaced by A.
Protein change: p.Arg510Gln; replaces arginine 510 with glutamine.
Molecular consequence: missense variant.
Genome position (GRCh38, 1-based): chr15:72,344,138, C>T on the plus strand (G>A on the coding strand, the complement: HEXA is on the minus strand). VCF-style: chr15-72344138-C-T. GRCh37 (hg19) VCF-style: chr15-72636479-C-T.
Other names: c.1562G>A, p.Arg521Gln (NM_001318825.2); c.1529G>A (NM_000520.5); short protein forms R521Q, R510Q.
Identifiers: ClinVar variation 851122 (VCV000851122.6), dbSNP rs745432499, ClinGen allele CA7644649.

ClinVar aggregate classification (germline): Uncertain significance. Review status: criteria provided, multiple submitters, no conflicts (2 of 4 stars). 3 submissions from 3 submitters: Uncertain significance (2). 1 of the submissions does not count toward it. Last evaluated 2023-08-31.

Conditions:
Tay-Sachs disease (TSD). Also called: HEXA DEFICIENCY; GM2 gangliosidosis, type 1; Hexosaminidase alpha-subunit deficiency (variant B); Sphingolipidosis, Tay-Sachs; HEXA Disorders; Hexosaminidase A Deficiency. Identifiers: Orphanet 845, MedGen C0039373, MONDO:0010100, OMIM 272800.

Allele frequency attached by ClinVar (database versions not stated): gnomAD exomes below 0.00001; ExAC 0.00001; gnomAD 0.00001; TOPMed 0.00001.
gnomAD v4.1: 7 of 1,613,544 alleles (0.00043%); highest among the groups gnomAD compares: African/African-American, 0.0013%; no homozygotes.

Submissions (3):

Women's Health and Genetics/Laboratory Corporation of America, LabCorp
Classification: Uncertain significance. Last evaluated: 2023-08-31. Review status: criteria provided, single submitter. Criteria: LabCorp Variant Classification Summary - May 2015. Collection method: clinical testing. Allele origin: germline.
Comment: Variant summary: HEXA c.1529G>A (p.Arg510Gln) results in a conservative amino acid change in the encoded protein sequence. Four of five in-silico tools predict a damaging effect of the variant on protein function. Consensus agreement among computational tools predict no significant impact on normal splicing. However, these predictions have yet to be confirmed by functional studies. The variant allele was found at a frequency of 4e-06 in 251392 control chromosomes (gnomAD). The available data on variant occurrences in the general population are insufficient to allow any conclusion about variant significance. To our knowledge, no occurrence of c.1529G>A in individuals affected with Tay-Sachs Disease and no experimental evidence demonstrating its impact on protein function have been reported. Two ClinVar submitters have assessed the variant since 2014, and both classified the variant as uncertain significance. Based on the evidence outlined above, the variant was classified as uncertain significance.

Labcorp Genetics (formerly Invitae), Labcorp
Classification: Uncertain significance for Tay-Sachs disease. Last evaluated: 2022-06-27. Review status: criteria provided, single submitter. Criteria: Invitae Variant Classification Sherloc (09022015). Collection method: clinical testing. Allele origin: germline.
Comment: This sequence change replaces arginine, which is basic and polar, with glutamine, which is neutral and polar, at codon 510 of the HEXA protein (p.Arg510Gln). This variant is present in population databases (rs745432499, gnomAD 0.0009%). This variant has not been reported in the literature in individuals affected with HEXA-related conditions. ClinVar contains an entry for this variant (Variation ID: 851122). Algorithms developed to predict the effect of missense changes on protein structure and function are either unavailable or do not agree on the potential impact of this missense change (SIFT: "Tolerated"; PolyPhen-2: "Probably Damaging"; Align-GVGD: "Class C0"). In summary, the available evidence is currently insufficient to determine the role of this variant in disease. Therefore, it has been classified as a Variant of Uncertain Significance.

Natera, Inc.
Classification: Uncertain significance for Tay-Sachs disease. Last evaluated: 2020-09-16. Review status: no assertion criteria provided. Collection method: clinical testing. Allele origin: germline. Not counted in ClinVar's aggregate classification.